The following is an entry in ClinVar:

ClinVar aggregate classification (germline): Uncertain significance (1 of 4 stars; one submission).

Conditions:
Progressive sclerosing poliodystrophy (MTDPS4A). Also called: ALPERS PROGRESSIVE INFANTILE POLIODYSTROPHY; NEURONAL DEGENERATION OF CHILDHOOD WITH LIVER DISEASE, PROGRESSIVE; Alpers Syndrome; ALPERS DIFFUSE DEGENERATION OF CEREBRAL GRAY MATTER WITH HEPATIC CIRRHOSIS; Alpers-Huttenlocher Syndrome; Mitochondrial DNA depletion syndrome 4A (Alpers type). Identifiers: Orphanet 726, MedGen C0205710, MONDO:0008758, OMIM 203700.

gnomAD v4.1: 1 of 1,614,252 alleles (0.000062%); highest among the groups gnomAD compares: South Asian, 0.0011%; no homozygotes.

Submission:

Labcorp Genetics (formerly Invitae), Labcorp
Classification: Uncertain significance for Progressive sclerosing poliodystrophy. Last evaluated: 2024-04-19. Review status: criteria provided, single submitter. Criteria: Invitae Variant Classification Sherloc (09022015). Collection method: clinical testing. Allele origin: germline.
Comment: This sequence change replaces phenylalanine, which is neutral and non-polar, with leucine, which is neutral and non-polar, at codon 1120 of the POLG protein (p.Phe1120Leu). This variant is present in population databases (rs573272388, gnomAD 0.003%). This variant has not been reported in the literature in individuals affected with POLG-related conditions. Advanced modeling of protein sequence and biophysical properties (such as structural, functional, and spatial information, amino acid conservation, physicochemical variation, residue mobility, and thermodynamic stability) performed at Invitae indicates that this missense variant is not expected to disrupt POLG protein function with a negative predictive value of 95%. In summary, the available evidence is currently insufficient to determine the role of this variant in disease. Therefore, it has been classified as a Variant of Uncertain Significance.

NM_002693.3(POLG):c.3360T>A (p.Phe1120Leu)

Gene: POLG (DNA polymerase gamma, catalytic subunit; minus strand). Cytogenetic location: 15q26.1.
Variant type: single nucleotide variant.
Coding change: c.3360T>A on transcript NM_002693.3 (MANE Select); coding-DNA position 3360, T replaced by A.
Protein change: p.Phe1120Leu; replaces phenylalanine 1120 with leucine.
Molecular consequence: missense variant.
Genome position (GRCh38, 1-based): chr15:89,318,663, A>T on the plus strand (T>A on the coding strand, the complement: POLG is on the minus strand). VCF-style: chr15-89318663-A-T. GRCh37 (hg19) VCF-style: chr15-89861894-A-T.
Other names: c.3360T>A, p.Phe1120Leu (NM_001126131.2); short protein forms F1120L.
Identifiers: ClinVar variation 3716604 (VCV003716604.2).